The following is an entry in ClinVar:

NM_000090.4(COL3A1):c.2696C>T (p.Pro899Leu)

Gene: COL3A1 (collagen type III alpha 1 chain; plus strand). Cytogenetic location: 2q32.2.
Variant type: single nucleotide variant.
Coding change: c.2696C>T on transcript NM_000090.4 (MANE Select); coding-DNA position 2696, C replaced by T.
Protein change: p.Pro899Leu; replaces proline 899 with leucine.
Molecular consequence: missense variant.
Genome position (GRCh38, 1-based): chr2:189,004,016, C>T. VCF-style: chr2-189004016-C-T. GRCh37 (hg19) VCF-style: chr2-189868742-C-T.
Other names: short protein forms P899L.
Identifiers: ClinVar variation 4780457 (VCV004780457.1).

ClinVar aggregate classification (germline): Uncertain significance (1 of 4 stars; one submission).

Conditions:
Ehlers-Danlos syndrome, type 4 (EDSVASC). Also called: Ehlers-Danlos syndrome vascular type; Ehlers Danlos syndrome, ecchymotic type; Ehlers Danlos syndrome, arterial type; Ehlers Danlos syndrome, Sack-Barabas type; Ehlers-Danlos Syndrome Type IV. Identifiers: Orphanet 286, MedGen C0268338, MONDO:0017314, OMIM 130050.

gnomAD v4.1: 1 of 1,612,816 alleles (0.000062%); highest among the groups gnomAD compares: African/African-American, 0.0013%; no homozygotes.

Submission:

Labcorp Genetics (formerly Invitae), Labcorp
Classification: Uncertain significance for Ehlers-Danlos syndrome, type 4. Last evaluated: 2025-03-16. Review status: criteria provided, single submitter. Criteria: Invitae Variant Classification Sherloc (09022015). Collection method: clinical testing. Allele origin: germline.
Comment: This sequence change replaces proline, which is neutral and non-polar, with leucine, which is neutral and non-polar, at codon 899 of the COL3A1 protein (p.Pro899Leu). This variant is not present in population databases (gnomAD no frequency). This variant has not been reported in the literature in individuals affected with COL3A1-related conditions. Invitae Evidence Modeling of protein sequence and biophysical properties (such as structural, functional, and spatial information, amino acid conservation, physicochemical variation, residue mobility, and thermodynamic stability) indicates that this missense variant is not expected to disrupt COL3A1 protein function with a negative predictive value of 95%. In summary, the available evidence is currently insufficient to determine the role of this variant in disease. Therefore, it has been classified as a Variant of Uncertain Significance.